The following is an entry in ClinVar:

NM_000069.3(CACNA1S):c.267G>A (p.Leu89=)

Gene: CACNA1S (calcium voltage-gated channel subunit alpha1 S; minus strand). Cytogenetic location: 1q32.1.
Variant type: single nucleotide variant.
Coding change: c.267G>A on transcript NM_000069.3 (MANE Select); coding-DNA position 267, G replaced by A.
Protein change: p.Leu89=; no amino-acid change (leucine 89 retained).
Molecular consequence: synonymous variant.
Genome position (GRCh38, 1-based): chr1:201,094,013, C>T on the plus strand (G>A on the coding strand, the complement: CACNA1S is on the minus strand). VCF-style: chr1-201094013-C-T. GRCh37 (hg19) VCF-style: chr1-201063141-C-T.
Identifiers: ClinVar variation 2947624 (VCV002947624.4), dbSNP rs762456451, ClinGen allele CA422694852.

ClinVar aggregate classification (germline): Likely benign. Review status: criteria provided, multiple submitters, no conflicts (2 of 4 stars). 2 submissions from 2 submitters: Likely benign (2). Last evaluated 2023-12-11.

Conditions:
Hypokalemic periodic paralysis, type 1. Also called: HypoPP; Hypokalemic Periodic Paralysis Type 1 (AD). Identifiers: Orphanet 681, MedGen C3714580, MONDO:0042979, OMIM 170400.
Malignant hyperthermia, susceptibility to, 5 (MHS5). Also called: CACNA1S-Related Malignant Hyperthermia Susceptibility. Identifiers: Orphanet 423, MedGen C1866077, MONDO:0011163, OMIM 601887.

Submissions (2):

Labcorp Genetics (formerly Invitae), Labcorp
Classification: Likely benign for Hypokalemic periodic paralysis, type 1; Malignant hyperthermia, susceptibility to, 5. Last evaluated: 2023-12-11. Review status: criteria provided, single submitter. Criteria: Invitae Variant Classification Sherloc (09022015). Collection method: clinical testing. Allele origin: germline.

All of Us Research Program, National Institutes of Health
Classification: Likely benign for Malignant hyperthermia, susceptibility to, 5. Last evaluated: 2023-07-10. Review status: criteria provided, single submitter. Criteria: ACMG Guidelines, 2015. Collection method: clinical testing. Allele origin: germline. Inheritance: Autosomal dominant inheritance. Observed: 1 variant allele, 1 heterozygote.
Comment: This study involves interpretation of variants in research participants for the purpose of population health screening. Participant phenotype was not available at the time of variant classification. Additional details can be found in publication PMID: 35346344, PMCID: PMC8962531